The following is an entry in ClinVar:

ClinVar aggregate classification (germline): Pathogenic/Likely pathogenic. Review status: criteria provided, multiple submitters, no conflicts (2 of 4 stars). 5 submissions from 5 submitters: Pathogenic (2); Likely pathogenic (2). 1 of the submissions does not count toward it. Last evaluated 2025-11-24.

Conditions:
ALMS1-related disorder. Also called: ALMS1-related condition.
Alstrom syndrome (ALMS). Identifiers: Orphanet 64, MedGen C0268425, MONDO:0008763, OMIM 203800.

Submissions (5):

Natera, Inc.
Classification: Likely pathogenic for Alstrom syndrome. Last evaluated: 2025-11-24. Review status: criteria provided, single submitter. Criteria: Natera Variant Classification Schema (03/2026). Collection method: clinical testing. Allele origin: germline.
Comment: The c.11812dup variant in ALMS1 is a frameshift variant predicted to shift the reading frame beginning at codon 3938 and leads to a stop codon 8 codons downstream. This variant is expected to result in nonsense mediated decay, truncation, or a dysfunctional protein product. This variant is rare in the general population with a frequency below the threshold expected for the associated phenotype(s). Given the available evidence, this variant is classified as Likely Pathogenic.

Molecular Genetics Laboratory, Motol Hospital
Classification: Pathogenic for Alstrom syndrome. Last evaluated: 2024-11-20. Review status: criteria provided, single submitter. Criteria: ACMG Guidelines, 2015. Collection method: clinical testing. Allele origin: paternal. Affected: yes. Observed: 1 variant allele.
Comment: The pathogenic/likely pathogenic variants affecting the ALMS1 gene are well documented as a molecular cause of autosomal recessive "Alstrom syndrome" (OMIM:203800) (PMID:36927560;11941369;11941370;17594715). To conclude, the variant is classified as pathogenic (ACMG PVS1, PM2, PM3).

Blueprint Genetics
Classification: Likely pathogenic for ALMS1-related disorders. Last evaluated: 2024-05-22. Review status: criteria provided, single submitter. Criteria: ACMG Guidelines, 2015. Collection method: clinical testing. Allele origin: germline. Affected: yes. Observed: 5 variant alleles.

Labcorp Genetics (formerly Invitae), Labcorp
Classification: Pathogenic for Alstrom syndrome. Last evaluated: 2023-06-20. Review status: criteria provided, single submitter. Criteria: Invitae Variant Classification Sherloc (09022015). Collection method: clinical testing. Allele origin: germline.
Comment: This variant is present in population databases (rs757722767, gnomAD 0.002%). This sequence change creates a premature translational stop signal (p.Met3938Asnfs*8) in the ALMS1 gene. It is expected to result in an absent or disrupted protein product. Loss-of-function variants in ALMS1 are known to be pathogenic (PMID: 17594715). For these reasons, this variant has been classified as Pathogenic. ClinVar contains an entry for this variant (Variation ID: 550296). This premature translational stop signal has been observed in individual(s) with Alstrom syndrome (PMID: 25846608).

Counsyl
Classification: Likely pathogenic for Alstrom syndrome. Last evaluated: 2016-12-28. Review status: no assertion criteria provided. Collection method: clinical testing. Allele origin: unknown. Not counted in ClinVar's aggregate classification.

Literature cited by the submitters: PubMed 36927560 (cited by Molecular Genetics Laboratory, Motol Hospital); PubMed 11941369 (cited by Molecular Genetics Laboratory, Motol Hospital); PubMed 11941370 (cited by Molecular Genetics Laboratory, Motol Hospital); PubMed 17594715 (cited by Molecular Genetics Laboratory, Motol Hospital and Labcorp Genetics (formerly Invitae), Labcorp); PubMed 25846608 (cited by Labcorp Genetics (formerly Invitae), Labcorp and Counsyl).

NM_001378454.1(ALMS1):c.11809dup (p.Met3937fs)

Gene: ALMS1 (ALMS1 centrosome and basal body associated protein; plus strand). Cytogenetic location: 2p13.1.
Variant type: Duplication.
Coding change: c.11809dup on transcript NM_001378454.1 (MANE Select); coding-DNA position 11809, one base duplicated (A; older notation c.11809dupA).
Protein change: p.Met3937fs; shifts the reading frame from methionine 3937.
Molecular consequence: frameshift variant.
Genome position (GRCh38, 1-based): chr2:73,600,818, A duplicated; the last of 4 consecutive A bases (chr2:73,600,815-73,600,818); duplicating any one gives the same sequence. VCF-style (leftmost placement, unchanged base first): chr2-73600814-G-GA. GRCh37 (hg19) VCF-style: chr2-73827941-G-GA.
Other names: c.11812dup, p.Met3938fs (NM_015120.4); c.11812dupA (NM_015120.4); short protein forms M3938fs, M3937fs.
Identifiers: ClinVar variation 550296 (VCV000550296.15), dbSNP rs757722767, ClinGen allele CA1715330.